The following is an entry in ClinVar:

ClinVar aggregate classification (germline): Conflicting classifications of pathogenicity. Review status: criteria provided, conflicting classifications (1 of 4 stars). 2 submissions from 2 submitters: Likely pathogenic (1); Uncertain significance (1). Last evaluated 2025-06-19.

Conditions:
Immunodeficiency 35 (IMD35). Also called: TYK2 DEFICIENCY; Susceptibility to infection due to TYK2 deficiency; HIES WITH ATYPICAL MYCOBACTERIOSIS, AUTOSOMAL RECESSIVE; HYPER-IgE SYNDROME WITH ATYPICAL MYCOBACTERIOSIS, AUTOSOMAL RECESSIVE. Identifiers: Orphanet 331226, MedGen C1969086, MONDO:0012682, OMIM 611521.

Allele frequency attached by ClinVar (database versions not stated): gnomAD 0.00003 and 0.00008; TOPMed 0.00003; ExAC 0.00007; gnomAD exomes 0.00007 and 0.00022; ESP Exome Variant Server 0.00008; 1000 Genomes Project 30x 0.00062; 1000 Genomes Project 0.00080.
gnomAD v4.1: 321 of 1,612,390 alleles (0.02%); highest among the groups gnomAD compares: East Asian, 0.66%; 2 homozygotes.

Submissions (2):

Labcorp Genetics (formerly Invitae), Labcorp
Classification: Likely pathogenic for Immunodeficiency 35. Last evaluated: 2025-06-19. Review status: criteria provided, single submitter. Criteria: Invitae Variant Classification Sherloc (09022015). Collection method: clinical testing. Allele origin: germline.
Comment: This sequence change replaces arginine, which is basic and polar, with tryptophan, which is neutral and slightly polar, at codon 231 of the TYK2 protein (p.Arg231Trp). This variant is present in population databases (rs201917359, gnomAD 0.06%). This missense change has been observed in individual(s) with TYK2 deficiency (PMID: 29725107). In at least one individual the data is consistent with being in trans (on the opposite chromosome) from a pathogenic variant. It has also been observed to segregate with disease in related individuals. ClinVar contains an entry for this variant (Variation ID: 840450). Invitae Evidence Modeling of protein sequence and biophysical properties (such as structural, functional, and spatial information, amino acid conservation, physicochemical variation, residue mobility, and thermodynamic stability) indicates that this missense variant is expected to disrupt TYK2 protein function with a positive predictive value of 80%. Experimental studies have shown that this missense change affects TYK2 function (PMID: 29725107, 31118190). In summary, the currently available evidence indicates that the variant is pathogenic, but additional data are needed to prove that conclusively. Therefore, this variant has been classified as Likely Pathogenic.

Baylor Genetics
Classification: Uncertain significance for Immunodeficiency 35. Last evaluated: 2020-07-03. Review status: criteria provided, single submitter. Criteria: ACMG Guidelines, 2015. Collection method: clinical testing. Allele origin: unknown. Affected: yes.
Comment: This variant was determined to be of uncertain significance according to ACMG Guidelines, 2015 [PMID:25741868].

Literature cited by the submitters: PubMed 29725107 (cited by Labcorp Genetics (formerly Invitae), Labcorp); PubMed 31118190 (cited by Labcorp Genetics (formerly Invitae), Labcorp).

NM_003331.5(TYK2):c.691C>T (p.Arg231Trp)

Gene: TYK2 (tyrosine kinase 2; minus strand). Cytogenetic location: 19p13.2.
Variant type: single nucleotide variant.
Coding change: c.691C>T on transcript NM_003331.5 (MANE Select); coding-DNA position 691, C replaced by T.
Protein change: p.Arg231Trp; replaces arginine 231 with tryptophan.
Molecular consequence: missense variant.
Genome position (GRCh38, 1-based): chr19:10,365,837, G>A on the plus strand (C>T on the coding strand, the complement: TYK2 is on the minus strand). VCF-style: chr19-10365837-G-A. GRCh37 (hg19) VCF-style: chr19-10476513-G-A.
Other names: short protein forms R231W.
Identifiers: ClinVar variation 840450 (VCV000840450.11), dbSNP rs201917359, ClinGen allele CA9193642.